The following is an entry in ClinVar:

ClinVar aggregate classification (germline): Uncertain significance. Review status: criteria provided, multiple submitters, no conflicts (2 of 4 stars). 2 submissions from 2 submitters: Uncertain significance (2). Last evaluated 2025-08-06.

Allele frequency attached by ClinVar (database versions not stated): ExAC 0.00004; gnomAD 0.00008; TOPMed 0.00008; ESP Exome Variant Server 0.00015.
gnomAD v4.1: 190 of 1,613,952 alleles (0.012%); highest among the groups gnomAD compares: Non-Finnish European, 0.015%; no homozygotes.

Submissions (2):

Ambry Genetics
Classification: Uncertain significance. Last evaluated: 2025-08-06. Review status: criteria provided, single submitter. Criteria: Ambry Variant Classification Scheme 2023. Collection method: clinical testing. Allele origin: germline.

GeneDx
Classification: Uncertain significance. Last evaluated: 2024-05-19. Review status: criteria provided, single submitter. Criteria: GeneDx Variant Classification Process June 2021. Collection method: clinical testing. Allele origin: germline. Affected: yes.
Comment: In silico analysis supports that this missense variant has a deleterious effect on protein structure/function; Has not been previously published as pathogenic or benign to our knowledge

NM_153332.4(ERI1):c.998C>A (p.Ser333Tyr)

Gene: ERI1 (exoribonuclease 1). Cytogenetic location: 8p23.1.
Variant type: single nucleotide variant.
Coding change: c.998C>A on transcript NM_153332.4 (MANE Select); coding-DNA position 998, C replaced by A.
Protein change: p.Ser333Tyr; replaces serine 333 with tyrosine.
Molecular consequence: missense variant. On other transcripts: intron variant (1).
Genome position (GRCh38, 1-based): chr8:9,029,982, C>A. VCF-style: chr8-9029982-C-A. GRCh37 (hg19) VCF-style: chr8-8887492-C-A.
Other names: c.764C>A, p.Ser255Tyr (NM_001354635.2); c.653C>A, p.Ser218Tyr (NM_001354636.2); c.807+9518C>A (NM_001354638.2); short protein forms S218Y, S333Y, S255Y.
Identifiers: ClinVar variation 2458171 (VCV002458171.4), dbSNP rs141287911, ClinGen allele CA4620056.